The following is an entry in ClinVar:

NM_003590.5(CUL3):c.385_388del (p.Val129fs)

Gene: CUL3 (cullin 3; minus strand). Cytogenetic location: 2q36.2.
Variant type: Microsatellite.
Coding change: c.385_388del on transcript NM_003590.5 (MANE Select); coding-DNA positions 385 to 388, 4 bases deleted (GTGT; older notation c.385_388delGTGT).
Protein change: p.Val129fs; shifts the reading frame from valine 129.
Molecular consequence: frameshift variant.
Genome position (GRCh38, 1-based): chr2:224,514,763-224,514,766, ACAC deleted on the plus strand (GTGT on the coding strand, the reverse complement: CUL3 is on the minus strand); deleting any 4 consecutive bases within chr2:224,514,763-224,514,768 gives the same sequence; the c. name uses the placement nearest the transcript's 3' end. VCF-style (leftmost placement, unchanged base first): chr2-224514762-TACAC-T. GRCh37 (hg19) VCF-style: chr2-225379479-TACAC-T.
Other names: c.187_190del, p.Val63fs (NM_001257197.2); c.403_406del, p.Val135fs (NM_001257198.2); short protein forms V129fs, V135fs, V63fs.
Identifiers: ClinVar variation 4855560 (VCV004855560.1).
Genomic context (GRCh38, chr2:224,514,762, plus strand): 5'-TGATCTCGAAAAATAATTAATCCCAAATTGTAGACGTTCTCCACATTATTTTGTTGTACA[TACAC>T]ACGGTCCTACAGTTAAAGTCATATAAATATGAGTACAGTTCTTGTGAGCATAATAATTAT-3'

ClinVar aggregate classification (germline): Likely pathogenic (1 of 4 stars; one submission).

Conditions:
Neurodevelopmental disorder with or without autism or seizures (NEDAUS). Identifiers: MedGen C5543225, MONDO:0030994, OMIM 619239.

Submission:

3billion
Classification: Likely pathogenic for Neurodevelopmental disorder with or without autism or seizures. Last evaluated: 2025-12-02. Review status: criteria provided, single submitter. Criteria: ACMG Guidelines, 2015. Collection method: clinical testing. Allele origin: germline. Affected: yes.
Comment: The variant is not observed in the gnomAD v4.1.0 dataset. Predicted Consequence/Location: Frameshift: predicted to result in a loss or disruption of normal protein function through nonsense-mediated decay (NMD) or protein truncation. Multiple pathogenic variants are reported downstream of the variant. Therefore, this variant is classified as Likely pathogenic according to the recommendation of ACMG/AMP guideline.